The following is an entry in ClinVar:

NM_001329943.3(KIAA0586):c.1967G>A (p.Arg656Gln)

Gene: KIAA0586 (KIAA0586; plus strand). Cytogenetic location: 14q23.1.
Variant type: single nucleotide variant.
Coding change: c.1967G>A on transcript NM_001329943.3 (MANE Select); coding-DNA position 1967, G replaced by A.
Protein change: p.Arg656Gln; replaces arginine 656 with glutamine.
Molecular consequence: missense variant.
Genome position (GRCh38, 1-based): chr14:58,461,068, G>A. VCF-style: chr14-58461068-G-A. GRCh37 (hg19) VCF-style: chr14-58927786-G-A.
Other names: c.2126G>A, p.Arg709Gln (NM_001244189.2); c.1922G>A, p.Arg641Gln (NM_001244190.2); c.1712G>A, p.Arg571Gln (NM_001244191.2, NM_001329945.2, NM_001364700.1 and 1 more transcripts); c.1835G>A, p.Arg612Gln (NM_001244192.2); c.1547G>A, p.Arg516Gln (NM_001244193.2); c.1967G>A, p.Arg656Gln (NM_001329944.2, NM_001329946.2, NM_001329947.2); c.1739G>A, p.Arg580Gln (NM_014749.5); c.1739G>A (NM_014749.3); short protein forms R516Q, R571Q, R580Q, R612Q, R641Q, R656Q, R709Q.
Identifiers: ClinVar variation 1312784 (VCV001312784.8), dbSNP rs1047721846, ClinGen allele CA261627344.

ClinVar aggregate classification (germline): Uncertain significance. Review status: criteria provided, multiple submitters, no conflicts (2 of 4 stars). 3 submissions from 3 submitters: Uncertain significance (3). Last evaluated 2025-11-26.

Conditions:
Joubert syndrome 23 (JBTS23). Identifiers: Orphanet 475, MedGen C4084822, MONDO:0014664, OMIM 616490.
Short-rib thoracic dysplasia 14 with polydactyly (SRTD14). Identifiers: Orphanet 397715, MedGen C4225286, MONDO:0014688, OMIM 616546.
Inborn genetic diseases. Identifiers: MedGen C0950123, MeSH D030342.

Allele frequency attached by ClinVar (database versions not stated): gnomAD exomes below 0.00001 and 0.00001; TOPMed below 0.00001.

Submissions (3):

Ambry Genetics
Classification: Uncertain significance for Inborn genetic diseases. Last evaluated: 2025-11-26. Review status: criteria provided, single submitter. Criteria: Ambry Variant Classification Scheme 2023. Collection method: clinical testing. Allele origin: germline.

Labcorp Genetics (formerly Invitae), Labcorp
Classification: Uncertain significance for Joubert syndrome 23; Short-rib thoracic dysplasia 14 with polydactyly. Last evaluated: 2022-09-06. Review status: criteria provided, single submitter. Criteria: Invitae Variant Classification Sherloc (09022015). Collection method: clinical testing. Allele origin: germline.
Comment: This variant has not been reported in the literature in individuals affected with KIAA0586-related conditions. This variant is present in population databases (no rsID available, gnomAD 0.01%). This sequence change replaces arginine, which is basic and polar, with glutamine, which is neutral and polar, at codon 709 of the KIAA0586 protein (p.Arg709Gln). ClinVar contains an entry for this variant (Variation ID: 1312784). In summary, the available evidence is currently insufficient to determine the role of this variant in disease. Therefore, it has been classified as a Variant of Uncertain Significance. Algorithms developed to predict the effect of missense changes on protein structure and function are either unavailable or do not agree on the potential impact of this missense change (SIFT: "Deleterious"; PolyPhen-2: "Probably Damaging"; Align-GVGD: "Class C0").

GeneDx
Classification: Uncertain significance. Last evaluated: 2020-06-30. Review status: criteria provided, single submitter. Criteria: GeneDx Variant Classification Process June 2021. Collection method: clinical testing. Allele origin: germline. Affected: yes.
Comment: Not observed at a significant frequency in large population cohorts (Lek et al., 2016); Has not been previously published as pathogenic or benign to our knowledge